The following is an entry in ClinVar:

NM_001079802.2(FKTN):c.1337A>T (p.Asn446Ile)

Gene: FKTN (fukutin; plus strand). Cytogenetic location: 9q31.2.
Variant type: single nucleotide variant.
Coding change: c.1337A>T on transcript NM_001079802.2 (MANE Select); coding-DNA position 1337, A replaced by T.
Protein change: p.Asn446Ile; replaces asparagine 446 with isoleucine.
Molecular consequence: missense variant. On other transcripts: 3 prime UTR variant (1), non-coding transcript variant (2), intron variant (1).
Genome position (GRCh38, 1-based): chr9:105,635,215, A>T. VCF-style: chr9-105635215-A-T. GRCh37 (hg19) VCF-style: chr9-108397496-A-T.
Other names: c.1337A>T, p.Asn446Ile (NM_001351496.2, NM_006731.2); c.1268A>T, p.Asn423Ile (NM_001351497.2); c.*129A>T (NM_001351498.2); c.941A>T, p.Asn314Ile (NM_001351499.2, NM_001351500.2, NM_001351501.2 and 1 more transcripts); c.1270+67A>T (NM_001198963.2); short protein forms N446I, N423I, N314I.
Identifiers: ClinVar variation 432249 (VCV000432249.21), dbSNP rs374912618, ClinGen allele CA5170613.

ClinVar aggregate classification (germline): Conflicting classifications of pathogenicity. Review status: criteria provided, conflicting classifications (1 of 4 stars). 6 submissions from 5 submitters: Uncertain significance (4); Likely benign (2). Last evaluated 2026-02-01.

Conditions:
Walker-Warburg congenital muscular dystrophy. Also called: Muscular dystrophy-dystroglycanopathy, type A; Walker-Warburg syndrome. Identifiers: Orphanet 899, MedGen C0265221, MONDO:0000171.
Dilated cardiomyopathy 1X (CMD1X). Also called: FKTN-Related Dilated Cardiomyopathy; CARDIOMYOPATHY, DILATED, WITH MILD OR NO PROXIMAL MUSCLE WEAKNESS. Identifiers: Orphanet 154, MedGen C1969024, MONDO:0012704, OMIM 611615.
Cardiovascular phenotype. Identifiers: MedGen CN230736.
Muscular dystrophy-dystroglycanopathy (congenital with brain and eye anomalies), type A, 4 (MDDGA4). Also called: Walker-Warburg Syndrome, Fktn-Related; Muscular dystrophy, congenital progressive, with mental retardation; Muscular dystrophy, congenital, with central nervous system involvement; Cerebromuscular dystrophy, Fukuyama type; Fukuyama congenital muscular dystrophy; Congenital muscular dystrophy-dystroglycanopathy with brain and eye anomalies, type A4. Identifiers: Orphanet 272, Orphanet 588, Orphanet 899, MedGen C0410174, MONDO:0009678, OMIM 253800.

Allele frequency attached by ClinVar (database versions not stated): TOPMed 0.00001; 1000 Genomes Project 30x 0.00016; 1000 Genomes Project 0.00020.
gnomAD v4.1: 201 of 1,614,190 alleles (0.012%); highest among the groups gnomAD compares: South Asian, 0.21%; 1 homozygote.

Submissions (6):

Labcorp Genetics (formerly Invitae), Labcorp
Classification: Likely benign for Walker-Warburg congenital muscular dystrophy. Last evaluated: 2026-02-01. Review status: criteria provided, single submitter. Criteria: Invitae Variant Classification Sherloc (09022015). Collection method: clinical testing. Allele origin: germline.

Revvity Omics, Revvity
Classification: Uncertain significance. Last evaluated: 2024-09-12. Review status: criteria provided, single submitter. Criteria: ACMG Guidelines, 2015. Collection method: clinical testing. Allele origin: germline.

Ambry Genetics
Classification: Likely benign for Cardiovascular phenotype. Last evaluated: 2021-08-14. Review status: criteria provided, single submitter. Criteria: Ambry Variant Classification Scheme 2023. Collection method: clinical testing. Allele origin: germline.

GeneDx
Classification: Uncertain significance. Last evaluated: 2020-11-05. Review status: criteria provided, single submitter. Criteria: GeneDx Variant Classification Process June 2021. Collection method: clinical testing. Allele origin: germline. Affected: yes.
Comment: Has not been previously published as pathogenic or benign to our knowledge

Illumina Laboratory Services, Illumina
Classification: Uncertain significance for Dilated cardiomyopathy 1X. Last evaluated: 2018-01-13. Review status: criteria provided, single submitter. Criteria: ICSL Variant Classification Criteria 13 December 2019. Collection method: clinical testing. Allele origin: germline.

Illumina Laboratory Services, Illumina
Classification: Uncertain significance for Muscular dystrophy-dystroglycanopathy (congenital with brain and eye anomalies), type A, 4. Last evaluated: 2018-01-13. Review status: criteria provided, single submitter. Criteria: ICSL Variant Classification Criteria 13 December 2019. Collection method: clinical testing. Allele origin: germline.

Literature cited by the submitters: PubMed 29907797 (cited by Ambry Genetics).